The following is an entry in ClinVar:

NM_201384.3(PLEC):c.5811G>A (p.Ala1937=)

Gene: PLEC (plectin; minus strand). Cytogenetic location: 8q24.3.
Variant type: single nucleotide variant.
Coding change: c.5811G>A on transcript NM_201384.3 (MANE Select); coding-DNA position 5811, G replaced by A.
Protein change: p.Ala1937=; no amino-acid change (alanine 1937 retained).
Molecular consequence: synonymous variant.
Genome position (GRCh38, 1-based): chr8:143,924,118, C>T on the plus strand (G>A on the coding strand, the complement: PLEC is on the minus strand). VCF-style: chr8-143924118-C-T. GRCh37 (hg19) VCF-style: chr8-144998286-C-T.
Other names: c.5892G>A, p.Ala1964= (NM_000445.5); c.5769G>A, p.Ala1923= (NM_201378.4); c.5745G>A, p.Ala1915= (NM_201379.3); c.6222G>A, p.Ala2074= (NM_201380.4); c.5715G>A, p.Ala1905= (NM_201381.3); c.5811G>A, p.Ala1937= (NM_201382.4); c.5823G>A, p.Ala1941= (NM_201383.3).
Identifiers: ClinVar variation 497006 (VCV000497006.44), dbSNP rs199990259, ClinGen allele CA4926233.

ClinVar aggregate classification (germline): Conflicting classifications of pathogenicity. Review status: criteria provided, conflicting classifications (1 of 4 stars). 6 submissions from 6 submitters: Uncertain significance (1); Likely benign (5). Last evaluated 2026-09-04.

Conditions:
Epidermolysis bullosa simplex 5C, with pyloric atresia (EBS5C). Also called: PLEC-Related Epidermolysis Bullosa with Pyloric Atresia; Epidermolysis bullosa simplex with pyloric atresia; PLEC1-Related Epidermolysis Bullosa with Pyloric Atresia. Identifiers: Orphanet 158684, MedGen C2677349, MONDO:0012807, OMIM 612138.
Epidermolysis bullosa simplex 5B, with muscular dystrophy (EBS5B). Also called: EPIDERMOLYSIS BULLOSA SIMPLEX AND LIMB-GIRDLE MUSCULAR DYSTROPHY; Epidermolysis bullosa simplex with muscular dystrophy. Identifiers: Orphanet 257, MedGen C2931072, MONDO:0009181, OMIM 226670.
Autosomal recessive limb-girdle muscular dystrophy type 2Q (LGMDR17). Also called: MUSCULAR DYSTROPHY, LIMB-GIRDLE, AUTOSOMAL RECESSIVE 17. Identifiers: Orphanet 254361, MedGen C3150989, MONDO:0013390, OMIM 613723.
Epidermolysis bullosa simplex with nail dystrophy (EBS5D). Identifiers: MedGen C4225309, MONDO:0014661, OMIM 616487.
Epidermolysis bullosa simplex, Ogna type (EBS5A). Also called: Pidermolysis bullosa simplex 5A, Ogna type; EPIDERMOLYSIS BULLOSA SIMPLEX 5A, OGNA TYPE. Identifiers: Orphanet 79401, MedGen C0432317, MONDO:0007555, OMIM 131950.
PLEC-related disorder. Also called: PLEC-related disorders; PLEC-related condition.

Allele frequency attached by ClinVar (database versions not stated): 1000 Genomes Project 30x 0.00016; ESP Exome Variant Server 0.00016; ExAC 0.00017; gnomAD exomes 0.00017; 1000 Genomes Project 0.00020; TOPMed 0.00020; gnomAD 0.00023.
gnomAD v4.1: 691 of 1,598,882 alleles (0.043%); highest among the groups gnomAD compares: Non-Finnish European, 0.055%; no homozygotes.

Submissions (6):

PreventionGenetics, part of Exact Sciences
Classification: Likely benign for PLEC-related condition. Last evaluated: 2026-09-04. Review status: criteria provided, single submitter. Criteria: ACMG Guidelines, 2015. Collection method: clinical testing. Allele origin: germline.
Comment: This variant is classified as likely benign based on ACMG/AMP sequence variant interpretation guidelines (Richards et al. 2015 PMID: 25741868, with internal and published modifications).

Labcorp Genetics (formerly Invitae), Labcorp
Classification: Likely benign for Autosomal recessive limb-girdle muscular dystrophy type 2Q; Epidermolysis bullosa simplex, Ogna type; Epidermolysis bullosa simplex with nail dystrophy; Epidermolysis bullosa simplex 5C, with pyloric atresia; Epidermolysis bullosa simplex 5B, with muscular dystrophy. Last evaluated: 2025-12-22. Review status: criteria provided, single submitter. Criteria: Invitae Variant Classification Sherloc (09022015). Collection method: clinical testing. Allele origin: germline.

CeGaT Center for Human Genetics Tuebingen
Classification: Likely benign. Last evaluated: 2023-06-01. Review status: criteria provided, single submitter. Criteria: CeGaT Center For Human Genetics Tuebingen Variant Classification Criteria Version 2. Collection method: clinical testing. Allele origin: germline. Affected: yes. Observed: 1 variant allele.
Comment: PLEC: BP4, BP7

GeneDx
Classification: Likely benign. Last evaluated: 2020-10-21. Review status: criteria provided, single submitter. Criteria: GeneDx Variant Classification Process June 2021. Collection method: clinical testing. Allele origin: germline. Affected: yes.

Athena Diagnostics
Classification: Likely benign. Last evaluated: 2018-08-29. Review status: criteria provided, single submitter. Criteria: Athena Diagnostics Criteria. Collection method: clinical testing. Allele origin: germline.

Eurofins Ntd Llc (ga)
Classification: Uncertain significance. Last evaluated: 2017-10-14. Review status: criteria provided, single submitter. Criteria: EGL Classification Definitions 2015. Collection method: clinical testing. Allele origin: germline. Observed: 6 variant alleles, 6 heterozygotes.